The following is an entry in ClinVar:

NM_001112704.2(VAX1):c.671_685dup (p.Gly224_Ala228dup)

Gene: VAX1 (ventral anterior homeobox 1; minus strand). Cytogenetic location: 10q25.3.
Variant type: Duplication.
Coding change: c.671_685dup on transcript NM_001112704.2 (MANE Select); coding-DNA positions 671 to 685, 15 bases duplicated (GCTCGGCCGCCGCAG).
Protein change: p.Gly224_Ala228dup.
Molecular consequence: inframe insertion. On other transcripts: intron variant (1).
Genome position (GRCh38, 1-based): chr10:117,134,328-117,134,342, CTGCGGCGGCCGAGC duplicated on the plus strand (GCTCGGCCGCCGCAG on the coding strand, the reverse complement: VAX1 is on the minus strand); duplicating any 15 consecutive bases within chr10:117,134,328-117,134,346 gives the same sequence; the c. name uses the placement nearest the transcript's 3' end. VCF-style (leftmost placement, unchanged base first): chr10-117134327-G-GCTGCGGCGGCCGAGC. GRCh37 (hg19) VCF-style: chr10-118893838-G-GCTGCGGCGGCCGAGC.
Other names: c.430-1865_430-1851dup (NM_199131.3).
Identifiers: ClinVar variation 1360975 (VCV001360975.6), dbSNP rs2133660274, ClinGen allele CA2573145598.

ClinVar aggregate classification (germline): Uncertain significance (1 of 4 stars; one submission).

Conditions:
Microphthalmia, syndromic 11 (MCOPS11). Identifiers: MedGen C3553077, MONDO:0013734, OMIM 614402.

Submission:

Labcorp Genetics (formerly Invitae), Labcorp
Classification: Uncertain significance for Microphthalmia, syndromic 11. Last evaluated: 2021-10-24. Review status: criteria provided, single submitter. Criteria: Invitae Variant Classification Sherloc (09022015). Collection method: clinical testing. Allele origin: germline.
Comment: Experimental studies and prediction algorithms are not available or were not evaluated, and the functional significance of this variant is currently unknown. Algorithms developed to predict the effect of sequence changes on RNA splicing suggest that this variant may create or strengthen a splice site. In summary, the available evidence is currently insufficient to determine the role of this variant in disease. Therefore, it has been classified as a Variant of Uncertain Significance. This variant has not been reported in the literature in individuals affected with VAX1-related conditions. This variant, c.671_685dup, results in the insertion of 5 amino acid(s) of the VAX1 protein (p.Gly224_Ala228dup), but otherwise preserves the integrity of the reading frame. The frequency data for this variant in the population databases is considered unreliable, as metrics indicate insufficient coverage at this position in the gnomAD database.